The following is an entry in ClinVar:

NM_000271.5(NPC1):c.424delinsTATAAGAGACAG (p.Lys142fs)

Gene: NPC1 (NPC intracellular cholesterol transporter 1; minus strand). Cytogenetic location: 18q11.2.
Variant type: Indel.
Coding change: c.424delinsTATAAGAGACAG on transcript NM_000271.5 (MANE Select); coding-DNA position 424, A replaced by TATAAGAGACAG.
Protein change: p.Lys142fs; shifts the reading frame from lysine 142.
Molecular consequence: frameshift variant.
Genome position (GRCh38, 1-based): chr18:23,568,862, T replaced by CTGTCTCTTATA on the plus strand (A replaced by TATAAGAGACAG on the coding strand, the reverse complement: NPC1 is on the minus strand). VCF-style: chr18-23568862-T-CTGTCTCTTATA. GRCh37 (hg19) VCF-style: chr18-21148826-T-CTGTCTCTTATA.
Other names: short protein forms K142fs.
Identifiers: ClinVar variation 5011520 (VCV005011520.1).
Genomic context (GRCh38, chr18:23,568,862, plus strand): 5'-AATAATTAAAAGTTTACTTACCATTGGCAAAACTCTGTCCGACGTAGTATTGTAACTCTT[T>CTGTCTCTTATA]CACATTTGTTTTCGTCTGGTTTGTAACAGGATCAACATAATCTTCAGTAGCTGTAACATT-3'

ClinVar aggregate classification (germline): Pathogenic (1 of 4 stars; one submission).

Conditions:
Niemann-Pick disease, type C1. Also called: NEUROVISCERAL STORAGE DISEASE WITH VERTICAL SUPRANUCLEAR OPHTHALMOPLEGIA; NIEMANN-PICK DISEASE WITH CHOLESTEROL ESTERIFICATION BLOCK; NIEMANN-PICK DISEASE WITHOUT SPHINGOMYELINASE DEFICIENCY; NIEMANN-PICK DISEASE, CHRONIC NEURONOPATHIC FORM; NIEMANN-PICK DISEASE, VARIANT TYPE C1. Identifiers: Orphanet 646, MedGen C3179455, MONDO:0009757, OMIM 257220.

Submission:

Myriad Genetics, Inc.
Classification: Pathogenic for Niemann-Pick disease, type C1. Last evaluated: 2023-09-02. Review status: criteria provided, single submitter. Criteria: Myriad Autosomal Dominant, Autosomal Recessive and X-Linked Classification Criteria (2023). Collection method: clinical testing. Allele origin: unknown.
Comment: NM_000271.4(NPC1):c.424del1ins12(K142Yfs*83) is expected to be pathogenic in the context of Niemann-Pick disease type C1. This variant is predicted to lead to an abnormal or absent protein product due to the creation of a premature termination codon in NPC1, a gene where loss-of-function variants are known to be pathogenic. Please note: this variant was assessed in the context of healthy population screening.